The following is an entry in ClinVar:

NM_000719.7(CACNA1C):c.5150C>G (p.Ala1717Gly)

Genes: CACNA1C (calcium voltage-gated channel subunit alpha1 C; plus strand), CACNA1C-AS1 (CACNA1C antisense RNA 1; minus strand). Cytogenetic location: 12p13.33.
Variant type: single nucleotide variant.
Coding change: c.5150C>G on transcript NM_000719.7 (MANE Select); coding-DNA position 5150, C replaced by G.
Protein change: p.Ala1717Gly; replaces alanine 1717 with glycine.
Molecular consequence: missense variant.
Genome position (GRCh38, 1-based): chr12:2,679,502, C>G. VCF-style: chr12-2679502-C-G. GRCh37 (hg19) VCF-style: chr12-2788668-C-G.
Other names: p.A1717G:GCC>GGC; c.5294C>G, p.Ala1765Gly (NM_001129827.2, NM_199460.4); c.5273C>G, p.Ala1758Gly (NM_001129829.2); c.5150C>G, p.Ala1717Gly (NM_001129830.3, NM_001129840.2, NM_001129841.2 and 4 more transcripts); c.5234C>G, p.Ala1745Gly (NM_001129831.2); c.5210C>G, p.Ala1737Gly (NM_001129832.2); c.5207C>G, p.Ala1736Gly (NM_001129833.2, NM_001129834.2, NM_001129835.2); c.5201C>G, p.Ala1734Gly (NM_001129836.2); and 4 more; short protein forms A1717G, A1765G, A1736G, A1737G, A1758G, A1734G, A1706G, A1714G.
Identifiers: ClinVar variation 93411 (VCV000093411.85), dbSNP rs201492706, ClinGen allele CA285379.

ClinVar aggregate classification (germline): Conflicting classifications of pathogenicity. Review status: criteria provided, conflicting classifications (1 of 4 stars). 13 submissions from 13 submitters: Uncertain significance (3); Benign (1); Likely benign (7). 2 of the submissions do not count toward it. Last evaluated 2026-06-01.

Conditions:
Timothy syndrome (TS). Also called: LONG QT SYNDROME WITH SYNDACTYLY. Identifiers: Orphanet 65283, MedGen C1832916, MeSH C536962, MONDO:0010979, OMIM 601005.
Brugada syndrome 3 (BRGDA3). Identifiers: Orphanet 130, MedGen C2678478, MONDO:0012742, OMIM 611875.
Neurodevelopmental disorder with hypotonia, language delay, and skeletal defects with or without seizures (NEDHLSS). Identifiers: MedGen C5774213, MONDO:0859286, OMIM 620029.
Long QT syndrome 8. Identifiers: MedGen CN260585, MONDO:0032756, OMIM 618447.
CACNA1C-related disorder. Also called: CACNA1C-related condition; CACNA1C-related disorders. Identifiers: MedGen CN381092, MONDO:0700321.
Cardiovascular phenotype. Identifiers: MedGen CN230736.
Brugada syndrome. Also called: Sudden unexpected nocturnal death syndrome; Sudden unexplained nocturnal death syndrome; Sudden Unexplained Death Syndrome; Sudden Unexplained Nocturnal Death Syndrome (SUNDS). Identifiers: Orphanet 130, MedGen C1142166, MONDO:0015263.
Long QT syndrome (LQTS). Identifiers: MedGen C0023976, MeSH D008133, MONDO:0002442. Disease mechanism: loss of function. Inheritance: Various modes of inheritance.

Allele frequency attached by ClinVar (database versions not stated): 1000 Genomes Project 0.00040; 1000 Genomes Project 30x 0.00047; gnomAD 0.00048; TOPMed 0.00057.
gnomAD v4.1: 946 of 1,609,272 alleles (0.059%); highest among the groups gnomAD compares: Middle Eastern, 0.81%; 5 homozygotes.

Submissions (13):

CeGaT Center for Human Genetics Tuebingen
Classification: Likely benign. Last evaluated: 2026-06-01. Review status: criteria provided, single submitter. Criteria: CeGaT Center For Human Genetics Tuebingen Variant Classification Criteria Version 2. Collection method: clinical testing. Allele origin: germline. Affected: yes. Observed: 17 variant alleles.
Comment: CACNA1C: BS1

Labcorp Genetics (formerly Invitae), Labcorp
Classification: Likely benign for Long QT syndrome. Last evaluated: 2026-01-27. Review status: criteria provided, single submitter. Criteria: Invitae Variant Classification Sherloc (09022015). Collection method: clinical testing. Allele origin: germline.

Molecular Diagnostic Laboratory for Inherited Cardiovascular Disease, Montreal Heart Institute
Classification: Likely benign. Last evaluated: 2025-04-09. Review status: criteria provided, single submitter. Criteria: ACMG Guidelines, 2015. Collection method: clinical testing. Allele origin: germline. Affected: no.

Blueprint Genetics
Classification: Likely benign. Last evaluated: 2024-11-14. Review status: criteria provided, single submitter. Criteria: ACMG Guidelines, 2015. Collection method: clinical testing. Allele origin: germline.

Dept of Medical Biology, Uskudar University
Classification: Uncertain significance for Long QT syndrome. Last evaluated: 2024-01-08. Review status: criteria provided, single submitter. Criteria: Dept of Medical Biology Variant Classification. Collection method: research. Allele origin: unknown. Affected: yes. Observed: 1 variant allele.
Comment: Criteria: BS1, PP2

GeneDx
Classification: Benign. Last evaluated: 2021-01-18. Review status: criteria provided, single submitter. Criteria: GeneDx Variant Classification Process June 2021. Collection method: clinical testing. Allele origin: germline. Affected: yes.
Comment: This variant is associated with the following publications: (PMID: 22840528, 20817017)

Women's Health and Genetics/Laboratory Corporation of America, LabCorp
Classification: Likely benign. Last evaluated: 2019-03-18. Review status: criteria provided, single submitter. Criteria: LabCorp Variant Classification Summary - May 2015. Collection method: clinical testing. Allele origin: germline.
Comment: Variant summary: CACNA1C c.5150C>G (p.Ala1717Gly) results in a non-conservative amino acid change located in the Voltage-gated calcium channel subunit alpha, C-terminal of the encoded protein sequence. Four of five in-silico tools predict a benign effect of the variant on protein function. The variant allele was found at a frequency of 0.00076 in 272838 control chromosomes in the gnomAD database, including 1 homozygotes. The observed variant frequency is approximately 75.87 fold of the estimated maximal expected allele frequency for a pathogenic variant in CACNA1C causing Arrhythmia phenotype (1e-05), strongly suggesting that the variant is benign. c.5150C>G has been reported in the literature in individuals affected with cardiac phenotypes (Burashnikov_2010, Crotti_2012, Forleo_2017, Kostareva_2016, Wemhoner_2015) however without strong evidence for causality. To our knowledge, no experimental evidence demonstrating an impact on protein function has been reported. Five clinical diagnostic laboratories have submitted clinical-significance assessments for this variant to ClinVar after 2014 without evidence for independent evaluation. Based on the evidence outlined above, the variant was classified as likely benign.

Ambry Genetics
Classification: Likely benign for Cardiovascular phenotype. Last evaluated: 2018-06-28. Review status: criteria provided, single submitter. Criteria: Ambry Variant Classification Scheme 2023. Collection method: clinical testing. Allele origin: germline.

Eurofins Ntd Llc (ga)
Classification: Uncertain significance. Last evaluated: 2015-02-06. Review status: criteria provided, single submitter. Criteria: EGL Classification Definitions 2015. Collection method: clinical testing. Allele origin: germline. Observed: 4 variant alleles, 4 heterozygotes.

Biesecker Lab/Clinical Genomics Section, National Institutes of Health
Classification: Likely benign. Last evaluated: 2013-06-24. Review status: criteria provided, single submitter. Criteria: Ng et al. (Circ Cardiovasc Genet. 2013). Collection method: research. Allele origin: unknown. Observed: 1 variant allele. Study: ClinSeq.
Comment: The study set was not selected for affection status in relation to any cancer. Pathogenicity categories were based on literature curation. See Pubmed ID:23861362 for details.

Medical sequencing

Center for Genomics, Ann and Robert H. Lurie Children's Hospital of Chicago
Classification: Uncertain significance for Timothy syndrome; Long QT syndrome 8; Neurodevelopmental disorder with hypotonia, language delay, and skeletal defects with or without seizures; Brugada syndrome 3. Review status: criteria provided, single submitter. Criteria: ACMG Guidelines, 2015. Collection method: clinical testing. Allele origin: germline.
Comment: CACNA1C NM_000719.6 exon 42 p.Ala1717Gly (c.5150C>G): This variant has not been reported in the literature but is present in 0.1% (41/34056) of Latino alleles, including 1 homozygote, in the Genome Aggregation Database. This variant is present in ClinVar, with several labs classifying this variant as Likely Benign (Variation ID:93411). Evolutionary conservation and computational predictive tools suggest that this variant may not impact the protein. In summary, data on this variant suggests that this variant does not cause disease, but requires further evidence. Therefore this variant is classified as Likely Benign

PreventionGenetics, part of Exact Sciences
Classification: Likely benign for CACNA1C-related condition. Last evaluated: 2024-02-16. Review status: no assertion criteria provided. Collection method: clinical testing. Allele origin: germline. Not counted in ClinVar's aggregate classification.
Comment: This variant is classified as likely benign based on ACMG/AMP sequence variant interpretation guidelines (Richards et al. 2015 PMID: 25741868, with internal and published modifications).

CSER _CC_NCGL, University of Washington
Classification: Likely benign for Brugada syndrome. Last evaluated: 2016-08-01. Review status: no assertion criteria provided. Collection method: research. Allele origin: germline. Inheritance: Autosomal dominant inheritance. Study: CSER - NEXT Medicine variant annotation. Not counted in ClinVar's aggregate classification.

Literature cited by the submitters: PubMed 22840528 (cited by Women's Health and Genetics/Laboratory Corporation of America, LabCorp and Ambry Genetics); PubMed 20817017 (cited by Women's Health and Genetics/Laboratory Corporation of America, LabCorp and Ambry Genetics); PubMed 23861362 (cited by Women's Health and Genetics/Laboratory Corporation of America, LabCorp); PubMed 25633834 (cited by Women's Health and Genetics/Laboratory Corporation of America, LabCorp); PubMed 27662471 (cited by Women's Health and Genetics/Laboratory Corporation of America, LabCorp); PubMed 28750076 (cited by Women's Health and Genetics/Laboratory Corporation of America, LabCorp).